The following is an entry in ClinVar:

ClinVar aggregate classification (germline): Benign. Review status: criteria provided, multiple submitters, no conflicts (2 of 4 stars). 4 submissions from 3 submitters: Benign (4). Last evaluated 2021-05-12.

Conditions:
Long QT syndrome 5 (LQT5). Identifiers: Orphanet 101016, Orphanet 768, MedGen C1867904, MONDO:0013372, OMIM 613695.
Jervell and Lange-Nielsen syndrome 2 (JLNS2). Identifiers: Orphanet 768, Orphanet 90647, MedGen C2676723, MONDO:0012871, OMIM 612347.

Submissions (4):

GeneDx
Classification: Benign. Last evaluated: 2021-05-12. Review status: criteria provided, single submitter. Criteria: GeneDx Variant Classification Process June 2021. Collection method: clinical testing. Allele origin: germline. Affected: yes.

Illumina Laboratory Services, Illumina
Classification: Benign for Long QT syndrome 5. Last evaluated: 2018-01-13. Review status: criteria provided, single submitter. Criteria: ICSL Variant Classification Criteria 13 December 2019. Collection method: clinical testing. Allele origin: germline.
Comment: This variant was observed in the ICSL laboratory as part of a predisposition screen in an ostensibly healthy population. It had not been previously curated by ICSL or reported in the Human Gene Mutation Database (HGMD: prior to June 1st, 2018), and was therefore a candidate for classification through an automated scoring system. Utilizing variant allele frequency, disease prevalence and penetrance estimates, and inheritance mode, an automated score was calculated to assess if this variant is too frequent to cause the disease. Based on the score and internal cut-off values, a variant classified as benign is not then subjected to further curation. The score for this variant resulted in a classification of benign for this disease.

Illumina Laboratory Services, Illumina
Classification: Benign for Jervell and Lange-Nielsen syndrome 2. Last evaluated: 2018-01-13. Review status: criteria provided, single submitter. Criteria: ICSL Variant Classification Criteria 13 December 2019. Collection method: clinical testing. Allele origin: germline.
Comment: the same text as in the submission from Illumina Laboratory Services, Illumina above.

Breakthrough Genomics
Classification: Benign. Review status: criteria provided, single submitter. Criteria: ACMG Guidelines, 2015. Collection method: not provided. Allele origin: germline. Inheritance: Autosomal recessive inheritance. Affected: yes.

NM_000219.6(KCNE1):c.*2007=

Gene: KCNE1 (potassium voltage-gated channel subfamily E regulatory subunit 1; minus strand). Cytogenetic location: 21q22.12.
Variant type: single nucleotide variant.
Coding change: c.*2007= on transcript NM_000219.6 (MANE Select); 2007 bases downstream of the stop codon, no change from the reference sequence.
Molecular consequence: no sequence alteration.
Genome position: GRCh38 VCF-style: chr21-34447238-G-G. GRCh37 (hg19) VCF-style: chr21-35819536-A-G.
Other names: c.*2007= (NM_001127668.4, NM_001127669.4, NM_001127670.4 and 4 more transcripts).
Identifiers: ClinVar variation 339732 (VCV000339732.9), dbSNP rs2211696.